The following is an entry in ClinVar:

ClinVar aggregate classification (germline): Pathogenic/Likely pathogenic. Review status: criteria provided, multiple submitters, no conflicts (2 of 4 stars). 3 submissions from 3 submitters: Pathogenic (1); Likely pathogenic (1). 1 of the submissions does not count toward it. Last evaluated 2025-09-28.

Conditions:
CHST3-related disorder. Also called: CHST3-related condition.
Spondyloepiphyseal dysplasia with congenital joint dislocations (SEDCJD). Also called: Chondrodysplasia with Congenital Joint Dislocations, CHST3-Related. Identifiers: Orphanet 263463, MedGen C1837657, MONDO:0007738, OMIM 143095.

Allele frequency attached by ClinVar (database versions not stated): ExAC 0.00001; gnomAD 0.00003 and 0.00004; gnomAD exomes 0.00003 and 0.00006; TOPMed 0.00004; ESP Exome Variant Server 0.00008.
gnomAD v4.1: 95 of 1,602,220 alleles (0.0059%); highest among the groups gnomAD compares: Non-Finnish European, 0.0078%; no homozygotes.

Submissions (3):

Labcorp Genetics (formerly Invitae), Labcorp
Classification: Pathogenic for Spondyloepiphyseal dysplasia with congenital joint dislocations. Last evaluated: 2025-09-28. Review status: criteria provided, single submitter. Criteria: Invitae Variant Classification Sherloc (09022015). Collection method: clinical testing. Allele origin: germline.
Comment: This sequence change replaces phenylalanine, which is neutral and non-polar, with isoleucine, which is neutral and non-polar, at codon 159 of the CHST3 protein (p.Phe159Ile). This variant is present in population databases (rs145538723, gnomAD 0.005%). This missense change has been observed in individual(s) with clinical features of spondyloepiphyseal dysplasia (PMID: 20830804; internal data). In at least one individual the data is consistent with being in trans (on the opposite chromosome) from a pathogenic variant. ClinVar contains an entry for this variant (Variation ID: 6049). Invitae Evidence Modeling of protein sequence and biophysical properties (such as structural, functional, and spatial information, amino acid conservation, physicochemical variation, residue mobility, and thermodynamic stability) indicates that this missense variant is expected to disrupt CHST3 protein function with a positive predictive value of 95%. For these reasons, this variant has been classified as Pathogenic.

Blueprint Genetics
Classification: Likely pathogenic for CHST3-related disorders. Last evaluated: 2020-09-01. Review status: criteria provided, single submitter. Criteria: ACMG Guidelines, 2015. Collection method: clinical testing. Allele origin: germline. Affected: yes. Observed: 3 variant alleles.

OMIM
Classification: Pathogenic for SPONDYLOEPIPHYSEAL DYSPLASIA WITH CONGENITAL JOINT DISLOCATIONS. Last evaluated: 2010-10-01. Review status: no assertion criteria provided. Collection method: literature only. Allele origin: germline. Not counted in ClinVar's aggregate classification.

Literature cited by the submitters: PubMed 20830804 (cited by Labcorp Genetics (formerly Invitae), Labcorp and OMIM); PubMed 9039660 (cited by OMIM).

NM_004273.5(CHST3):c.475T>A (p.Phe159Ile)

Gene: CHST3 (carbohydrate sulfotransferase 3; plus strand). Cytogenetic location: 10q22.1.
Variant type: single nucleotide variant.
Coding change: c.475T>A on transcript NM_004273.5 (MANE Select); coding-DNA position 475, T replaced by A.
Protein change: p.Phe159Ile; replaces phenylalanine 159 with isoleucine.
Molecular consequence: missense variant.
Genome position (GRCh38, 1-based): chr10:72,007,506, T>A. VCF-style: chr10-72007506-T-A. GRCh37 (hg19) VCF-style: chr10-73767264-T-A.
Other names: short protein forms F159I.
Identifiers: ClinVar variation 6049 (VCV000006049.8), dbSNP rs145538723, ClinGen allele CA253735.